The following is an entry in ClinVar:

NM_001350451.2(RBFOX3):c.326G>A (p.Arg109Gln)

Gene: RBFOX3 (RNA binding fox-1 homolog 3; minus strand). Cytogenetic location: 17q25.3.
Variant type: single nucleotide variant.
Coding change: c.326G>A on transcript NM_001350451.2 (MANE Select); coding-DNA position 326, G replaced by A.
Protein change: p.Arg109Gln; replaces arginine 109 with glutamine.
Molecular consequence: missense variant.
Genome position (GRCh38, 1-based): chr17:79,106,685, C>T on the plus strand (G>A on the coding strand, the complement: RBFOX3 is on the minus strand). VCF-style: chr17-79106685-C-T. GRCh37 (hg19) VCF-style: chr17-77102767-C-T.
Other names: c.326G>A, p.Arg109Gln (NM_001082575.3, NM_001350453.2, NM_001385804.1 and 36 more transcripts); c.323G>A, p.Arg108Gln (NM_001385806.1, NM_001385822.1, NM_001385823.1 and 4 more transcripts); short protein forms R109Q, R108Q.
Identifiers: ClinVar variation 1943300 (VCV001943300.5), dbSNP rs2510276012, ClinGen allele CA401317584.

ClinVar aggregate classification (germline): Uncertain significance (1 of 4 stars; one submission).

Conditions:
Idiopathic generalized epilepsy. Also called: Generalised epilepsy; EIG. Identifiers: MedGen C0270850, MONDO:0005579, OMIM 600669.

Allele frequency attached by ClinVar (database versions not stated): gnomAD exomes below 0.00001.
gnomAD v4.1: 1 of 1,487,804 alleles (0.000067%); highest among the groups gnomAD compares: Non-Finnish European, 0.000089%; no homozygotes.

Submission:

Labcorp Genetics (formerly Invitae), Labcorp
Classification: Uncertain significance for Idiopathic generalized epilepsy. Last evaluated: 2022-04-26. Review status: criteria provided, single submitter. Criteria: Invitae Variant Classification Sherloc (09022015). Collection method: clinical testing. Allele origin: germline.
Comment: This sequence change replaces arginine, which is basic and polar, with glutamine, which is neutral and polar, at codon 109 of the RBFOX3 protein (p.Arg109Gln). This variant is not present in population databases (gnomAD no frequency). This variant has not been reported in the literature in individuals affected with RBFOX3-related conditions. Algorithms developed to predict the effect of missense changes on protein structure and function are either unavailable or do not agree on the potential impact of this missense change (SIFT: "Deleterious"; PolyPhen-2: "Probably Damaging"; Align-GVGD: "Class C0"). In summary, the available evidence is currently insufficient to determine the role of this variant in disease. Therefore, it has been classified as a Variant of Uncertain Significance.